The following is an entry in ClinVar:

NM_000166.6(GJB1):c.614A>G (p.Asn205Ser)

Gene: GJB1 (gap junction protein beta 1; plus strand). Cytogenetic location: Xq13.1.
Variant type: single nucleotide variant.
Coding change: c.614A>G on transcript NM_000166.6 (MANE Select); coding-DNA position 614, A replaced by G.
Protein change: p.Asn205Ser; replaces asparagine 205 with serine.
Molecular consequence: missense variant.
Genome position (GRCh38, 1-based): chrX:71,224,321, A>G. VCF-style: chrX-71224321-A-G. GRCh37 (hg19) VCF-style: chrX-70444171-A-G.
Other names: c.614A>G, p.Asn205Ser (NM_001097642.3); short protein forms N205S.
Identifiers: ClinVar variation 10442 (VCV000010442.55), dbSNP rs104894822, ClinGen allele CA340970.

ClinVar aggregate classification (germline): Pathogenic/Likely pathogenic. Review status: criteria provided, multiple submitters, no conflicts (2 of 4 stars). 7 submissions from 7 submitters: Pathogenic (4); Likely pathogenic (1). 2 of the submissions do not count toward it. Last evaluated 2025-02-18.

Conditions:
Charcot-Marie-Tooth Neuropathy X. Identifiers: MedGen CN118851.
Charcot-Marie-Tooth disease X-linked dominant 1. Also called: CHARCOT-MARIE-TOOTH NEUROPATHY, X-LINKED, 1; CHARCOT-MARIE-TOOTH PERONEAL MUSCULAR ATROPHY, X-LINKED; X-linked Charcot-Marie-Tooth disease type 1; Charcot-Marie-Tooth Neuropathy X Type 1; GJB1 Disorders: Charcot-Marie-Tooth Neuropathy (CMT1X) and Central Nervous System Phenotypes; HEREDITARY MOTOR AND SENSORY NEUROPATHY, X-LINKED. Identifiers: Orphanet 101075, MedGen C0393808, MONDO:0010549, OMIM 302800.

Submissions (7):

GeneDx
Classification: Likely pathogenic. Last evaluated: 2025-02-18. Review status: criteria provided, single submitter. Criteria: GeneDx Variant Classification Process June 2021. Collection method: clinical testing. Allele origin: germline. Affected: yes.
Comment: In silico analysis supports that this missense variant has a deleterious effect on protein structure/function; Not observed at significant frequency in large population cohorts (gnomAD); Missense variants in this gene are a common cause of disease and they are underrepresented in the general population; This variant is associated with the following publications: (PMID: 28469099, 15006706, 24327141, 11404117, 12497641, 10071100, 27544631, 9401007, 37284795, 34255403, 20301548, 27804109, 9452099, 19259128, 39569692, 12111842)

Labcorp Genetics (formerly Invitae), Labcorp
Classification: Pathogenic for Charcot-Marie-Tooth Neuropathy X. Last evaluated: 2025-01-05. Review status: criteria provided, single submitter. Criteria: Invitae Variant Classification Sherloc (09022015). Collection method: clinical testing. Allele origin: germline.
Comment: This sequence change replaces asparagine, which is neutral and polar, with serine, which is neutral and polar, at codon 205 of the GJB1 protein (p.Asn205Ser). This variant is not present in population databases (gnomAD no frequency). This missense change has been observed in individuals with X-linked Charcot-Marie-Tooth disease (CMTX) (PMID: 9401007, 9452099, 10071100, 12497641, 19259128, 24327141, 27544631, 28469099). It has also been observed to segregate with disease in related individuals. ClinVar contains an entry for this variant (Variation ID: 10442). Invitae Evidence Modeling of protein sequence and biophysical properties (such as structural, functional, and spatial information, amino acid conservation, physicochemical variation, residue mobility, and thermodynamic stability) has been performed for this missense variant. However, the output from this modeling did not meet the statistical confidence thresholds required to predict the impact of this variant on GJB1 protein function. For these reasons, this variant has been classified as Pathogenic.

Neuberg Centre For Genomic Medicine, NCGM
Classification: Pathogenic for Charcot-Marie-Tooth disease X-linked dominant 1. Last evaluated: 2023-06-22. Review status: criteria provided, single submitter. Criteria: ACMG Guidelines, 2015. Collection method: clinical testing. Allele origin: germline. Inheritance: X-linked dominant inheritance. Affected: yes.
Comment: The observed missense c.614A>G(p.Asn205Ser) variant in GJB1 gene has been reported previously in X-linked state in individual(s) affected with X-linked Charcot-Marie-Tooth (CMTX) disease (Milley et al., 2016). This variant is absent in gnomAD Exomes. This variant has been reported to the ClinVar database as Pathogenic (multiple submissions). The amino acid Asn at position 205 is changed to a Ser changing protein sequence and it might alter its composition and physico-chemical properties. The amino acid change p.Asn205Ser in GJB1 is predicted as conserved by GERP++ and PhyloP across 100 vertebrates. Computational evidence (Polyphen - Damaging, SIFT - Tolerated, and MutationTaster - Disease causing automatic) predicts conflicting evidence on protein structure and function for this variant. This variant is located in a mutational hot spot and/or a critical and well-established functional domain. For these reasons, this variant has been classified as Pathogenic.

CeGaT Center for Human Genetics Tuebingen
Classification: Pathogenic. Last evaluated: 2023-03-01. Review status: criteria provided, single submitter. Criteria: CeGaT Center For Human Genetics Tuebingen Variant Classification Criteria Version 2. Collection method: clinical testing. Allele origin: germline. Affected: yes. Observed: 2 variant alleles.
Comment: GJB1: PP1:Strong, PM2, PM5, PS4:Moderate, PP4, PS3:Supporting

Athena Diagnostics
Classification: Pathogenic. Last evaluated: 2019-08-15. Review status: criteria provided, single submitter. Criteria: Athena Diagnostics Criteria. Collection method: clinical testing. Allele origin: germline.
Comment: Not found in the total gnomAD dataset, and the data is high quality (0/201577 chr). Statistically enriched in patients compared to ethnically matched controls. Found in at least one symptomatic patient. Predicted to have a damaging effect on the protein. The gain of a new splice site is predicted. Results on protein functions were conflicting. Moderate co-segregation with disease in affected individuals from a single family.

OMIM
Classification: Pathogenic for CHARCOT-MARIE-TOOTH DISEASE, X-LINKED DOMINANT, 1. Last evaluated: 1999-02-01. Review status: no assertion criteria provided. Collection method: literature only. Allele origin: germline. Not counted in ClinVar's aggregate classification.

GeneReviews
No classification provided. Condition: Charcot-Marie-Tooth disease X-linked dominant 1. Review status: no classification provided. Collection method: literature only. Allele origin: unknown. Not counted in ClinVar's aggregate classification.

Literature cited by the submitters: PubMed 9401007 (cited by Labcorp Genetics (formerly Invitae), Labcorp and Athena Diagnostics); PubMed 9452099 (cited by Labcorp Genetics (formerly Invitae), Labcorp and Athena Diagnostics); PubMed 10071100 (cited by 3 submitters); PubMed 12497641 (cited by Labcorp Genetics (formerly Invitae), Labcorp and Athena Diagnostics); PubMed 19259128 (cited by Labcorp Genetics (formerly Invitae), Labcorp and Athena Diagnostics); PubMed 24327141 (cited by Labcorp Genetics (formerly Invitae), Labcorp); PubMed 27544631 (cited by Labcorp Genetics (formerly Invitae), Labcorp and Athena Diagnostics); PubMed 28469099 (cited by Labcorp Genetics (formerly Invitae), Labcorp and Athena Diagnostics); PubMed 27804109 (cited by Athena Diagnostics); PubMed 12111842 (cited by Athena Diagnostics); PubMed 15006706 (cited by Athena Diagnostics); PubMed 11404117 (cited by Athena Diagnostics); PubMed 20301548 (cited by GeneReviews); NCBI Bookshelf NBK1374 (cited by GeneReviews).